The following is an entry in ClinVar:

ClinVar aggregate classification (germline): Likely benign. Review status: criteria provided, multiple submitters, no conflicts (2 of 4 stars). 2 submissions from 2 submitters: Likely benign (2). Last evaluated 2025-09-14.

Conditions:
Primary dilated cardiomyopathy (DCM). Also called: Dilated Cardiomyopathy. Identifiers: Orphanet 217604, MedGen C0007193, MeSH D002311, MONDO:0005021, HP:0001644. Inheritance: Various modes of inheritance.

Allele frequency attached by ClinVar (database versions not stated): 1000 Genomes Project 30x 0.00094; ESP Exome Variant Server 0.00024; gnomAD 0.00038; TOPMed 0.00039; 1000 Genomes Project 0.00060.
gnomAD v4.1: 120 of 1,611,040 alleles (0.0074%); highest among the groups gnomAD compares: African/African-American, 0.14%; no homozygotes.

Submissions (2):

Labcorp Genetics (formerly Invitae), Labcorp
Classification: Likely benign for Primary dilated cardiomyopathy. Last evaluated: 2025-09-14. Review status: criteria provided, single submitter. Criteria: Invitae Variant Classification Sherloc (09022015). Collection method: clinical testing. Allele origin: germline.

GeneDx
Classification: Likely benign. Last evaluated: 2017-10-06. Review status: criteria provided, single submitter. Criteria: GeneDx Variant Classification (06012015). Collection method: clinical testing. Allele origin: germline. Affected: yes.
Comment: This variant is considered likely benign or benign based on one or more of the following criteria: it is a conservative change, it occurs at a poorly conserved position in the protein, it is predicted to be benign by multiple in silico algorithms, and/or has population frequency not consistent with disease.

NM_006440.5(TXNRD2):c.662+11C>G

Gene: TXNRD2 (thioredoxin reductase 2; minus strand). Cytogenetic location: 22q11.21.
Variant type: single nucleotide variant.
Coding change: c.662+11C>G on transcript NM_006440.5 (MANE Select); 11 bases into the intron after coding-DNA position 662, C replaced by G.
Molecular consequence: intron variant.
Genome position (GRCh38, 1-based): chr22:19,911,366, G>C on the plus strand (C>G on the coding strand, the complement: TXNRD2 is on the minus strand). VCF-style: chr22-19911366-G-C. GRCh37 (hg19) VCF-style: chr22-19898889-G-C.
Other names: c.659+11C>G (NM_001352300.2); c.374+11C>G (NM_001352302.2); c.572+11C>G (NM_001352301.2); c.662+11C>G (NM_001282512.3); c.566+11C>G (NM_001352303.2).
Identifiers: ClinVar variation 512575 (VCV000512575.9), dbSNP rs373734411, ClinGen allele CA10104074.